The following is an entry in ClinVar:

ClinVar aggregate classification (germline): Uncertain significance (1 of 4 stars; one submission).

Conditions:
Atrioventricular septal defect 5 (AVSD5). Identifiers: MedGen C3280939, MONDO:0013769, OMIM 614474.

Allele frequency attached by ClinVar (database versions not stated): gnomAD exomes below 0.00001; ExAC 0.00002; gnomAD 0.00002; 1000 Genomes Project 30x 0.00031; 1000 Genomes Project 0.00040.
gnomAD v4.1: 7 of 1,597,964 alleles (0.00044%); highest among the groups gnomAD compares: South Asian, 0.0066%; no homozygotes.

Submission:

Labcorp Genetics (formerly Invitae), Labcorp
Classification: Uncertain significance for Atrioventricular septal defect 5. Last evaluated: 2023-07-29. Review status: criteria provided, single submitter. Criteria: Invitae Variant Classification Sherloc (09022015). Collection method: clinical testing. Allele origin: germline.
Comment: This variant has not been reported in the literature in individuals affected with GATA6-related conditions. This variant is present in population databases (rs572030089, gnomAD 0.01%). This sequence change replaces isoleucine, which is neutral and non-polar, with threonine, which is neutral and polar, at codon 39 of the GATA6 protein (p.Ile39Thr). An algorithm developed to predict the effect of missense changes on protein structure and function (PolyPhen-2) suggests that this variant is likely to be tolerated. In summary, the available evidence is currently insufficient to determine the role of this variant in disease. Therefore, it has been classified as a Variant of Uncertain Significance.

NM_005257.6(GATA6):c.116T>C (p.Ile39Thr)

Gene: GATA6 (GATA binding protein 6; plus strand). Cytogenetic location: 18q11.2.
Variant type: single nucleotide variant.
Coding change: c.116T>C on transcript NM_005257.6 (MANE Select); coding-DNA position 116, T replaced by C.
Protein change: p.Ile39Thr; replaces isoleucine 39 with threonine.
Molecular consequence: missense variant.
Genome position (GRCh38, 1-based): chr18:22,171,260, T>C. VCF-style: chr18-22171260-T-C. GRCh37 (hg19) VCF-style: chr18-19751221-T-C.
Other names: short protein forms I39T.
Identifiers: ClinVar variation 2785800 (VCV002785800.3), dbSNP rs572030089, ClinGen allele CA8908814.